The following is an entry in ClinVar:

NM_000059.4(BRCA2):c.2813C>A (p.Ala938Glu)

Gene: BRCA2 (BRCA2 DNA repair associated; plus strand). Cytogenetic location: 13q13.1.
Variant type: single nucleotide variant.
Coding change: c.2813C>A on transcript NM_000059.4 (MANE Select); coding-DNA position 2813, C replaced by A.
Protein change: p.Ala938Glu; replaces alanine 938 with glutamic acid.
Molecular consequence: missense variant.
Genome position (GRCh38, 1-based): chr13:32,337,168, C>A. VCF-style: chr13-32337168-C-A. GRCh37 (hg19) VCF-style: chr13-32911305-C-A.
Other names: short protein forms A938E.
Identifiers: ClinVar variation 51353 (VCV000051353.44), dbSNP rs55773834, ClinGen allele CA016486.

ClinVar aggregate classification (germline): Conflicting classifications of pathogenicity. Review status: criteria provided, conflicting classifications (1 of 4 stars). 13 submissions from 13 submitters: Uncertain significance (5); Likely benign (5). 3 of the submissions do not count toward it. Last evaluated 2026-01-21.

Conditions:
BRCA2-related disorder. Also called: BRCA2-related condition; BRCA2-related disorders. Identifiers: MedGen CN239275.
Hereditary cancer-predisposing syndrome. Also called: Hereditary Cancer Syndrome; Neoplastic Syndromes, Hereditary; Hereditary neoplastic syndrome; Tumor predisposition. Identifiers: Orphanet 140162, MedGen C0027672, MeSH D009386, MONDO:0015356.
Hereditary breast ovarian cancer syndrome. Also called: Hereditary breast and ovarian cancer syndrome; Breast and ovarian cancer; BRCA1- and BRCA2-Associated Hereditary Breast and Ovarian Cancer; Hereditary breast and/or ovarian cancer syndrome; Hereditary breast and ovarian cancer; Hereditary breast and ovarian cancer syndrome (HBOC). Identifiers: Orphanet 145, MedGen C0677776, MeSH D061325, MONDO:0003582. Disease mechanism: loss of function.
Breast-ovarian cancer, familial, susceptibility to, 2 (BROVCA2). Also called: BRCA2 Hereditary Breast and Ovarian Cancer. Identifiers: Orphanet 145, MedGen C2675520, MONDO:0012933, OMIM 612555. Disease mechanism: loss of function.

Allele frequency attached by ClinVar (database versions not stated): ExAC 0.00003; gnomAD exomes 0.00003; gnomAD 0.00014 and 0.00015; ESP Exome Variant Server 0.00015; TOPMed 0.00017.
gnomAD v4.1: 29 of 1,613,576 alleles (0.0018%); highest among the groups gnomAD compares: African/African-American, 0.039%; no homozygotes.

Submissions (13):

Labcorp Genetics (formerly Invitae), Labcorp
Classification: Likely benign for Hereditary breast ovarian cancer syndrome. Last evaluated: 2026-01-21. Review status: criteria provided, single submitter. Criteria: Invitae Variant Classification Sherloc (09022015). Collection method: clinical testing. Allele origin: germline.

PreventionGenetics, part of Exact Sciences
Classification: Likely benign for BRCA2-related condition. Last evaluated: 2025-09-04. Review status: criteria provided, single submitter. Criteria: ACMG Guidelines, 2015. Collection method: clinical testing. Allele origin: germline.
Comment: This variant is classified as likely benign based on ACMG/AMP sequence variant interpretation guidelines (Richards et al. 2015 PMID: 25741868, with internal and published modifications).

GeneDx
Classification: Uncertain significance. Last evaluated: 2025-06-23. Review status: criteria provided, single submitter. Criteria: GeneDx Variant Classification Process June 2021. Collection method: clinical testing. Allele origin: germline. Affected: yes.
Comment: In silico analysis supports that this missense variant has a deleterious effect on protein structure/function; Identified in individuals with glioblastoma and breast cancer (PMID: 26689913, Renata Mendes de Freitas et al. (2022) Mastology. 32; Published functional studies demonstrate cell viability and drug sensitivity comparable to wild type in mouse embryonic stem cells (PMID: 37922907); This variant is associated with the following publications: (PMID: 28873162, 23929434, 26689913, 28122867, de Freitas_2022, 32377563, 31911673, 26295337, 29884841, 31853058, 37922907)

Quest Diagnostics Nichols Institute San Juan Capistrano
Classification: Uncertain significance. Last evaluated: 2024-11-17. Review status: criteria provided, single submitter. Criteria: Quest Diagnostics criteria. Collection method: clinical testing. Allele origin: unknown.
Comment: The BRCA2 c.2813C>A (p.Ala938Glu) variant has been reported in the published literature in individuals affected with breast cancer (Freitas et al. 2022. Mastology 32:e20220003), glioblastoma (PMID: 26689913 (2015)), and an advanced cancer (PMID: 28873162 (2017)). A published functional study has reported that this variant retains BRCA2 function (PMID: 37922907 (2023)). The frequency of this variant in the general population, 0.0004 (10/24886 chromosomes in African/African American subpopulation (Genome Aggregation Database)), is higher than would generally be expected for pathogenic variants in this gene. Analysis of this variant using bioinformatics tools for the prediction of the effect of amino acid changes on protein structure and function yielded predictions that this variant is benign. Based on the available information, we are unable to determine the clinical significance of this variant.

Women's Health and Genetics/Laboratory Corporation of America, LabCorp
Classification: Uncertain significance. Last evaluated: 2024-05-02. Review status: criteria provided, single submitter. Criteria: LabCorp Variant Classification Summary - May 2015. Collection method: clinical testing. Allele origin: germline.
Comment: Variant summary: BRCA2 c.2813C>A (p.Ala938Glu) results in a non-conservative amino acid change in the encoded protein sequence. Four of five in-silico tools predict a benign effect of the variant on protein function. The variant allele was found at a frequency of 2.8e-05 in 250824 control chromosomes. Although the observed frequency does not exceed the estimated maximal expected allele frequency of a pathogenic variant in this gene (0.00075), the variant may represent a rare ethnic-specific functional polymorphism as evidenced by it being found in 3 African American women over 70 years old who have never had cancer (FLOSSIES database). c.2813C>A has been reported in the literature in individuals affected with cancer, including glioblastoma (example, Lu_2015, Mandelker_2017). These reports do not provide unequivocal conclusions about association of the variant with Hereditary Breast And Ovarian Cancer Syndrome. The variant was reported as functional via a mouse embryonic stem cell (mESC)-based assays (Biwas_2023). ClinVar contains an entry for this variant (Variation ID: 51353). Based on the evidence outlined above, the variant was classified as uncertain significance.

Ambry Genetics
Classification: Likely benign for Hereditary cancer-predisposing syndrome. Last evaluated: 2023-03-23. Review status: criteria provided, single submitter. Criteria: Ambry Variant Classification Scheme 2023. Collection method: clinical testing. Allele origin: germline.

University of Washington Department of Laboratory Medicine, University of Washington
Classification: Likely benign for Hereditary cancer-predisposing syndrome. Last evaluated: 2023-03-23. Review status: criteria provided, single submitter. Criteria: Dines et al. (Genet Med. 2020). Collection method: curation. Allele origin: germline.
Comment: Missense variant in a coldspot region where missense variants are very unlikely to be pathogenic (PMID:31911673).

BRCA2 exon 11 coldspot. Reclassification based on statistical prior probability.

Sema4
Classification: Uncertain significance for Hereditary cancer-predisposing syndrome. Last evaluated: 2021-12-09. Review status: criteria provided, single submitter. Criteria: Sema4 Curation Guidelines. Collection method: curation. Allele origin: germline.
Comment: The BRCA2 c.2813C>A (p.A938E) variant has been reported in heterozygosity in at least 1 individual with glioblastoma (PMID: 26689913). This variant was observed in 10/24886 chromosomes in the African/African American population, according to the Genome Aggregation Database (PMID: 32461654). This variant has been reported in ClinVar (Variation ID: 51353). Functional studies have not been performed, and in silico predictions of the variant's effect on protein function are inconclusive. The evidence is insufficient to meet ACMG/AMP criteria for classifying the variant as benign or pathogenic. Thus, the clinical significance of this variant is currently uncertain.

Molecular Genetics Laboratory, University of Michigan
Classification: Uncertain significance for Breast-ovarian cancer, familial, susceptibility to, 2. Last evaluated: 2016-04-21. Review status: criteria provided, single submitter. Criteria: ACMG Guidelines, 2015. Collection method: clinical testing. Allele origin: germline. Affected: yes.

Color Diagnostics, LLC DBA Color Health
Classification: Likely benign for Hereditary cancer-predisposing syndrome. Last evaluated: 2015-12-10. Review status: criteria provided, single submitter. Criteria: ACMG Guidelines, 2015. Collection method: clinical testing. Allele origin: germline.

Counsyl
Classification: Uncertain significance for Breast-ovarian cancer, familial, susceptibility to, 2. Last evaluated: 2017-11-27. Review status: no assertion criteria provided. Collection method: clinical testing. Allele origin: unknown. Not counted in ClinVar's aggregate classification.

Sharing Clinical Reports Project (SCRP)
Classification: Uncertain significance for Breast-ovarian cancer, familial 2. Last evaluated: 2008-01-04. Review status: no assertion criteria provided. Collection method: clinical testing. Allele origin: germline. Not counted in ClinVar's aggregate classification.

Breast Cancer Information Core (BIC) (BRCA2)
Classification: Uncertain significance for Breast-ovarian cancer, familial 2. Last evaluated: 2003-10-29. Review status: no assertion criteria provided. Collection method: clinical testing. Allele origin: unknown. Affected: yes. Observed: 1 variant allele. Not counted in ClinVar's aggregate classification.

Literature cited by the submitters: PubMed 26689913 (cited by 5 submitters); PubMed 26295337 (cited by Quest Diagnostics Nichols Institute San Juan Capistrano); PubMed 31911673 (cited by Quest Diagnostics Nichols Institute San Juan Capistrano); PubMed 32377563 (cited by Quest Diagnostics Nichols Institute San Juan Capistrano); PubMed 31853058 (cited by Quest Diagnostics Nichols Institute San Juan Capistrano); PubMed 29884841 (cited by Quest Diagnostics Nichols Institute San Juan Capistrano); PubMed 30787465 (cited by Quest Diagnostics Nichols Institute San Juan Capistrano); PubMed 30311369 (cited by Quest Diagnostics Nichols Institute San Juan Capistrano); PubMed 28569743 (cited by Quest Diagnostics Nichols Institute San Juan Capistrano); PubMed 28873162 (cited by Quest Diagnostics Nichols Institute San Juan Capistrano and Women's Health and Genetics/Laboratory Corporation of America, LabCorp); PubMed 23929434 (cited by Quest Diagnostics Nichols Institute San Juan Capistrano and Women's Health and Genetics/Laboratory Corporation of America, LabCorp); PubMed 37922907 (cited by Quest Diagnostics Nichols Institute San Juan Capistrano and Women's Health and Genetics/Laboratory Corporation of America, LabCorp).